The following is an entry in ClinVar:

NM_001999.4(FBN2):c.3611G>T (p.Cys1204Phe)

Gene: FBN2 (fibrillin 2; minus strand). Cytogenetic location: 5q23.3.
Variant type: single nucleotide variant.
Coding change: c.3611G>T on transcript NM_001999.4 (MANE Select); coding-DNA position 3611, G replaced by T.
Protein change: p.Cys1204Phe; replaces cysteine 1204 with phenylalanine.
Molecular consequence: missense variant.
Genome position (GRCh38, 1-based): chr5:128,336,101, C>A on the plus strand (G>T on the coding strand, the complement: FBN2 is on the minus strand). VCF-style: chr5-128336101-C-A. GRCh37 (hg19) VCF-style: chr5-127671793-C-A.
Other names: short protein forms C1204F.
Identifiers: ClinVar variation 1307076 (VCV001307076.8), dbSNP rs2126898748, ClinGen allele CA360758424.

ClinVar aggregate classification (germline): Conflicting classifications of pathogenicity. Review status: criteria provided, conflicting classifications (1 of 4 stars). 2 submissions from 2 submitters: Likely pathogenic (1); Uncertain significance (1). Last evaluated 2021-01-26.

Conditions:
Congenital contractural arachnodactyly (CCA). Also called: Arthrogryposis, distal, type 9; BEALS SYNDROME; Beals-Hecht syndrome. Identifiers: Orphanet 115, MedGen C0220668, MONDO:0007363, OMIM 121050.

Submissions (2):

Labcorp Genetics (formerly Invitae), Labcorp
Classification: Likely pathogenic for Congenital contractural arachnodactyly. Last evaluated: 2021-01-26. Review status: criteria provided, single submitter. Criteria: Invitae Variant Classification Sherloc (09022015). Collection method: clinical testing. Allele origin: germline.
Comment: This sequence change replaces cysteine with phenylalanine at codon 1204 of the FBN2 protein (p.Cys1204Phe). The cysteine residue is highly conserved and there is a large physicochemical difference between cysteine and phenylalanine. This variant is not present in population databases (ExAC no frequency). In summary, the currently available evidence indicates that the variant is pathogenic, but additional data are needed to prove that conclusively. Therefore, this variant has been classified as Likely Pathogenic. This variant affects a cysteine residue located within an epidermal growth factor (EGF)–like domain of the FBN2 protein. Cysteine residues in these domains are involved in the formation of disulfide bridges critical for protein structure and stability (PMID: 3495735, 4750422, 16677079). In addition, missense substitutions within the FBN2 EGF-like domains affecting cysteine residues are overrepresented in patients with congenital contractural arachnodactyly (PMID: 18767143). Advanced modeling of protein sequence and biophysical properties (such as structural, functional, and spatial information, amino acid conservation, physicochemical variation, residue mobility, and thermodynamic stability) performed at Invitae indicates that this missense variant is expected to disrupt FBN2 protein function. This variant has not been reported in the literature in individuals with FBN2-related conditions.

GeneDx
Classification: Uncertain significance. Last evaluated: 2019-07-10. Review status: criteria provided, single submitter. Criteria: GeneDx Variant Classification Process June 2021. Collection method: clinical testing. Allele origin: germline. Affected: yes.
Comment: Has not been previously published as pathogenic or benign to our knowledge; Not observed in large population cohorts (Lek et al., 2016); In silico analysis, which includes protein predictors and evolutionary conservation, supports a deleterious effect

Literature cited by the submitters: PubMed 3495735 (cited by Labcorp Genetics (formerly Invitae), Labcorp); PubMed 4750422 (cited by Labcorp Genetics (formerly Invitae), Labcorp); PubMed 16677079 (cited by Labcorp Genetics (formerly Invitae), Labcorp); PubMed 18767143 (cited by Labcorp Genetics (formerly Invitae), Labcorp).